The following is an entry in ClinVar:

ClinVar aggregate classification (germline): Likely benign (1 of 4 stars; one submission).

Conditions:
COL18A1-related disorder. Also called: COL18A1-related condition; COL18A1-related disorders.

gnomAD v4.1: 7 of 366,956 alleles (0.0019%); highest among the groups gnomAD compares: Non-Finnish European, 0.0024%; no homozygotes.

Submission:

PreventionGenetics, part of Exact Sciences
Classification: Likely benign for COL18A1-related condition. Last evaluated: 2026-01-29. Review status: criteria provided, single submitter. Criteria: ACMG Guidelines, 2015. Collection method: clinical testing. Allele origin: germline.
Comment: This variant is classified as likely benign based on ACMG/AMP sequence variant interpretation guidelines (Richards et al. 2015 PMID: 25741868, with internal and published modifications).

NM_001379500.1(COL18A1):c.-4G>C

Genes: BNAT1 (breast cancer associated ESR1 regulating natural antisense transcript 1; minus strand), COL18A1 (collagen type XVIII alpha 1 chain; plus strand). Cytogenetic location: 21q22.3.
Variant type: single nucleotide variant.
Coding change: c.-4G>C on transcript NM_001379500.1 (MANE Select); 4 bases upstream of the start codon, G replaced by C.
Molecular consequence: 5 prime UTR variant.
Genome position (GRCh38, 1-based): chr21:45,405,227, G>C. VCF-style: chr21-45405227-G-C. GRCh37 (hg19) VCF-style: chr21-46825142-G-C.
Identifiers: ClinVar variation 4984366 (VCV004984366.1).